The following is an entry in ClinVar:

ClinVar aggregate classification (germline): Conflicting classifications of pathogenicity. Review status: criteria provided, conflicting classifications (1 of 4 stars). 2 submissions from 2 submitters: Uncertain significance (1); Likely benign (1). Last evaluated 2025-04-14.

Conditions:
Cardiovascular phenotype. Identifiers: MedGen CN230736.

gnomAD v4.1: 3 of 1,614,098 alleles (0.00019%); highest among the groups gnomAD compares: East Asian, 0.0045%; no homozygotes.

Submissions (2):

Ambry Genetics
Classification: Likely benign for Cardiovascular phenotype. Last evaluated: 2025-04-14. Review status: criteria provided, single submitter. Criteria: Ambry Variant Classification Scheme 2023. Collection method: clinical testing. Allele origin: germline.

Women's Health and Genetics/Laboratory Corporation of America, LabCorp
Classification: Uncertain significance. Last evaluated: 2024-05-29. Review status: criteria provided, single submitter. Criteria: LabCorp Variant Classification Summary - May 2015. Collection method: clinical testing. Allele origin: germline.
Comment: Variant summary: LPL c.397C>G (p.Gln133Glu) results in a conservative amino acid change located in the Lipase domain (IPR013818) of the encoded protein sequence. Five of five in-silico tools predict a benign effect of the variant on protein function. The variant allele was found at a frequency of 4e-06 in 251456 control chromosomes (gnomAD). The available data on variant occurrences in the general population are insufficient to allow any conclusion about variant significance. To our knowledge, no occurrence of c.397C>G in individuals affected with Familial Lipoprotein Lipase Deficiency and no experimental evidence demonstrating its impact on protein function have been reported. No submitters have cited clinical-significance assessments for this variant to ClinVar. Based on the evidence outlined above, the variant was classified as uncertain significance.

NM_000237.3(LPL):c.397C>G (p.Gln133Glu)

Gene: LPL (lipoprotein lipase; plus strand). Cytogenetic location: 8p21.3.
Variant type: single nucleotide variant.
Coding change: c.397C>G on transcript NM_000237.3 (MANE Select); coding-DNA position 397, C replaced by G.
Protein change: p.Gln133Glu; replaces glutamine 133 with glutamic acid.
Molecular consequence: missense variant.
Genome position (GRCh38, 1-based): chr8:19,951,916, C>G. VCF-style: chr8-19951916-C-G. GRCh37 (hg19) VCF-style: chr8-19809427-C-G.
Other names: c.397C>G (NM_000237.2); short protein forms Q133E.
Identifiers: ClinVar variation 3336195 (VCV003336195.2).